The following is an entry in ClinVar:

NM_173689.7(CRB2):c.3385T>C (p.Cys1129Arg)

Gene: CRB2 (crumbs cell polarity complex component 2; plus strand). Cytogenetic location: 9q33.3.
Variant type: single nucleotide variant.
Coding change: c.3385T>C on transcript NM_173689.7 (MANE Select); coding-DNA position 3385, T replaced by C.
Protein change: p.Cys1129Arg; replaces cysteine 1129 with arginine.
Molecular consequence: missense variant. On other transcripts: non-coding transcript variant (1).
Genome position (GRCh38, 1-based): chr9:123,373,916, T>C. VCF-style: chr9-123373916-T-C. GRCh37 (hg19) VCF-style: chr9-126136195-T-C.
Other names: short protein forms C1129R.
Identifiers: ClinVar variation 3340297 (VCV003340297.1).
Genomic context (GRCh38, chr9:123,373,916, plus strand): 5'-CACACGCACCCCGACGGCCGCTTCGAGTGCCGCTGCCCGCCTGGCTTCGGGGGCCCGCGC[T>C]GCAGGTGGGATGGCTGGGCAGGGGGGTGGGCTGCGAATGCCCCCTGGGGCTATGGTGGGG-3'
Protein context (NP_775960.4, residues 1119-1139): RCPPGFGGPR[Cys1129Arg]RLPVPSKECS

ClinVar aggregate classification (germline): Uncertain significance (1 of 4 stars; one submission).

Submission:

GeneDx
Classification: Uncertain significance. Last evaluated: 2023-12-11. Review status: criteria provided, single submitter. Criteria: GeneDx Variant Classification Process June 2021. Collection method: clinical testing. Allele origin: germline. Affected: yes.
Comment: Reported along with a second variant in the CRB2 gene in a patient with ventriculomegaly, aqueductal stenosis, gray matter heterotopia, renal echogenicity, and elevated MSAFP and AFAFP in the published literature; however, segregation information was not provided (PMID: 27004616); Not observed at significant frequency in large population cohorts (gnomAD); In silico analysis supports that this missense variant has a deleterious effect on protein structure/function; This variant is associated with the following publications: (PMID: 33969091, 36071576, 27004616)